The following is an entry in ClinVar:

NM_000535.7(PMS2):c.804-33G>T

Gene: PMS2 (PMS1 homolog 2, mismatch repair system component; minus strand). Cytogenetic location: 7p22.1.
Variant type: single nucleotide variant.
Coding change: c.804-33G>T on transcript NM_000535.7 (MANE Select); 33 bases into the intron before coding-DNA position 804, G replaced by T.
Molecular consequence: intron variant.
Genome position (GRCh38, 1-based): chr7:5,995,666, C>A on the plus strand (G>T on the coding strand, the complement: PMS2 is on the minus strand). VCF-style: chr7-5995666-C-A. GRCh37 (hg19) VCF-style: chr7-6035297-C-A.
Other names: c.486-33G>T (NM_001322008.2, NM_001406902.1, NM_001406883.1 and 4 more transcripts); c.495-33G>T (NM_001406881.1, NM_001406879.1, NM_001322015.2 and 6 more transcripts); c.399-33G>T (NM_001406895.1, NM_001322010.2, NM_001322004.2 and 19 more transcripts); c.133-3609G>T (NM_001406911.1); c.291-33G>T (NM_001406904.1, NM_001406905.1); c.231-33G>T (NM_001322013.2, NM_001406909.1); c.-130-33G>T (NM_001322012.2, NM_001322011.2); c.468-33G>T (NM_001406885.1); and 8 more.
Identifiers: ClinVar variation 3904042 (VCV003904042.1).

ClinVar aggregate classification (germline): Benign (1 of 4 stars; one submission).

Conditions:
Lynch syndrome 4 (LYNCH4). Also called: Colorectal cancer, hereditary nonpolyposis, type 4; Hereditary non-polyposis colorectal cancer, type 4. Identifiers: Orphanet 144, MedGen C1838333, MONDO:0013699, OMIM 614337. Disease mechanism: loss of function.

gnomAD v4.1: 2 of 1,428,372 alleles (0.00014%); highest among the groups gnomAD compares: East Asian, 0.0045%; no homozygotes.

Submission:

Myriad Genetics, Inc.
Classification: Benign for Lynch syndrome 4. Last evaluated: 2025-01-28. Review status: criteria provided, single submitter. Criteria: Myriad Autosomal Dominant, Autosomal Recessive and X-Linked Classification Criteria (2023). Collection method: clinical testing. Allele origin: unknown.
Comment: This variant is considered benign. This variant is intronic and is not expected to impact mRNA splicing.